The following is an entry in ClinVar:

NM_001366145.2(TRPM3):c.2012G>A (p.Gly671Asp)

Gene: TRPM3 (transient receptor potential cation channel subfamily M member 3; minus strand). Cytogenetic location: 9q21.12.
Variant type: single nucleotide variant.
Coding change: c.2012G>A on transcript NM_001366145.2 (MANE Select); coding-DNA position 2012, G replaced by A.
Protein change: p.Gly671Asp; replaces glycine 671 with aspartic acid.
Molecular consequence: missense variant.
Genome position (GRCh38, 1-based): chr9:70,620,193, C>T on the plus strand (G>A on the coding strand, the complement: TRPM3 is on the minus strand). VCF-style: chr9-70620193-C-T. GRCh37 (hg19) VCF-style: chr9-73235109-C-T.
Other names: c.1976G>A, p.Gly659Asp (NM_001007471.4, NM_001366151.2); c.1982G>A, p.Gly661Asp (NM_001366141.2, NM_001366143.2, NM_001366149.2); c.2018G>A, p.Gly673Asp (NM_001366142.2); c.2012G>A, p.Gly671Asp (NM_001366146.2); c.2087G>A, p.Gly696Asp (NM_001366147.2, NM_001366152.2); c.1523G>A, p.Gly508Asp (NM_206945.5); c.1592G>A, p.Gly531Asp (NM_206946.5); c.1562G>A, p.Gly521Asp (NM_206947.5); and 5 more; short protein forms G496D, G506D, G521D, G508D, G518D, G649D, G673D, G531D.
Identifiers: ClinVar variation 3731266 (VCV003731266.2).

ClinVar aggregate classification (germline): Uncertain significance (1 of 4 stars; one submission).

Submission:

GeneDx
Classification: Uncertain significance. Last evaluated: 2025-03-25. Review status: criteria provided, single submitter. Criteria: GeneDx Variant Classification Process June 2021. Collection method: clinical testing. Allele origin: germline.
Comment: Not observed at significant frequency in large population cohorts (gnomAD); In silico analysis supports that this missense variant has a deleterious effect on protein structure/function; Has not been previously published as pathogenic or benign to our knowledge